The following is an entry in ClinVar:

ClinVar aggregate classification (germline): Likely benign (1 of 4 stars; one submission).

Submission:

CeGaT Center for Human Genetics Tuebingen
Classification: Likely benign. Last evaluated: 2025-09-01. Review status: criteria provided, single submitter. Criteria: CeGaT Center For Human Genetics Tuebingen Variant Classification Criteria Version 2. Collection method: clinical testing. Allele origin: germline. Affected: yes. Observed: 2 variant alleles.
Comment: TCF4: BP4, BP7

NM_001243226.3(TCF4):c.258C>G (p.Thr86=)

Gene: TCF4 (transcription factor 4; minus strand). Cytogenetic location: 18q21.2.
Variant type: single nucleotide variant.
Coding change: c.258C>G on transcript NM_001243226.3; coding-DNA position 258, C replaced by G.
Protein change: p.Thr86=; no amino-acid change (threonine 86 retained).
Molecular consequence: synonymous variant.
Genome position (GRCh38, 1-based): chr18:55,631,326, G>C on the plus strand (C>G on the coding strand, the complement: TCF4 is on the minus strand). VCF-style: chr18-55631326-G-C. GRCh37 (hg19) VCF-style: chr18-53298557-G-C.
Identifiers: ClinVar variation 3389902 (VCV003389902.14).